The following is an entry in ClinVar:

NM_006031.6(PCNT):c.7821A>T (p.Arg2607=)

Gene: PCNT (pericentrin; plus strand). Cytogenetic location: 21q22.3.
Variant type: single nucleotide variant.
Coding change: c.7821A>T on transcript NM_006031.6 (MANE Select); coding-DNA position 7821, A replaced by T.
Protein change: p.Arg2607=; no amino-acid change (arginine 2607 retained).
Molecular consequence: synonymous variant.
Genome position (GRCh38, 1-based): chr21:46,430,140, A>T. VCF-style: chr21-46430140-A-T. GRCh37 (hg19) VCF-style: chr21-47850054-A-T.
Other names: c.7821A>T (NM_006031.5); c.7467A>T, p.Arg2489= (NM_001315529.2).
Identifiers: ClinVar variation 2822614 (VCV002822614.5), dbSNP rs1374340093, ClinGen allele CA513174763.

ClinVar aggregate classification (germline): Likely benign. Review status: criteria provided, single submitter (1 of 4 stars). 2 submissions from 2 submitters: Likely benign (1). 1 of the submissions does not count toward it. Last evaluated 2023-12-19.

Conditions:
PCNT-related disorder. Also called: PCNT-related condition.

Allele frequency attached by ClinVar (database versions not stated): gnomAD exomes below 0.00001; TOPMed 0.00001.
gnomAD v4.1: 2 of 1,614,218 alleles (0.00012%); highest among the groups gnomAD compares: Non-Finnish European, 0.00017%; no homozygotes.

Submissions (2):

Labcorp Genetics (formerly Invitae), Labcorp
Classification: Likely benign. Last evaluated: 2023-12-19. Review status: criteria provided, single submitter. Criteria: Invitae Variant Classification Sherloc (09022015). Collection method: clinical testing. Allele origin: germline.

PreventionGenetics, part of Exact Sciences
Classification: Likely benign for PCNT-related condition. Last evaluated: 2023-03-14. Review status: no assertion criteria provided. Collection method: clinical testing. Allele origin: germline. Not counted in ClinVar's aggregate classification.
Comment: This variant is classified as likely benign based on ACMG/AMP sequence variant interpretation guidelines (Richards et al. 2015 PMID: 25741868, with internal and published modifications).